The following is an entry in ClinVar:

ClinVar aggregate classification (germline): Conflicting classifications of pathogenicity. Review status: criteria provided, conflicting classifications (1 of 4 stars). 2 submissions from 2 submitters: Uncertain significance (1); Likely benign (1). Last evaluated 2023-03-23.

Conditions:
Hereditary breast ovarian cancer syndrome. Also called: Hereditary breast and ovarian cancer syndrome; Breast and ovarian cancer; BRCA1- and BRCA2-Associated Hereditary Breast and Ovarian Cancer; Hereditary breast and ovarian cancer; Hereditary breast and/or ovarian cancer syndrome; Hereditary breast and ovarian cancer syndrome (HBOC). Identifiers: Orphanet 145, MedGen C0677776, MeSH D061325, MONDO:0003582. Disease mechanism: loss of function.
Hereditary cancer-predisposing syndrome. Also called: Hereditary neoplastic syndrome; Neoplastic Syndromes, Hereditary; Tumor predisposition; Hereditary Cancer Syndrome. Identifiers: Orphanet 140162, MedGen C0027672, MeSH D009386, MONDO:0015356.

Submissions (2):

University of Washington Department of Laboratory Medicine, University of Washington
Classification: Likely benign for Hereditary cancer-predisposing syndrome. Last evaluated: 2023-03-23. Review status: criteria provided, single submitter. Criteria: Dines et al. (Genet Med. 2020). Collection method: curation. Allele origin: germline.
Comment: Missense variant in a coldspot region where missense variants are very unlikely to be pathogenic (PMID:31911673).

BRCA1 coldspot (exon 11 using historical exon numbering). Reclassification based on statistical prior probability

Labcorp Genetics (formerly Invitae), Labcorp
Classification: Uncertain significance for Hereditary breast ovarian cancer syndrome. Last evaluated: 2019-01-25. Review status: criteria provided, single submitter. Criteria: Invitae Variant Classification Sherloc (09022015). Collection method: clinical testing. Allele origin: germline.
Comment: This variant is not present in population databases (ExAC no frequency). In summary, the available evidence is currently insufficient to determine the role of this variant in disease. Therefore, it has been classified as a Variant of Uncertain Significance. Algorithms developed to predict the effect of missense changes on protein structure and function (SIFT, PolyPhen-2, Align-GVGD) all suggest that this variant is likely to be tolerated, but these predictions have not been confirmed by published functional studies and their clinical significance is uncertain. This variant has not been reported in the literature in individuals with BRCA1-related conditions. This sequence change replaces glutamic acid with glycine at codon 1011 of the BRCA1 protein (p.Glu1011Gly). The glutamic acid residue is moderately conserved and there is a moderate physicochemical difference between glutamic acid and glycine.

NM_007294.4(BRCA1):c.3032A>G (p.Glu1011Gly)

Gene: BRCA1 (BRCA1 DNA repair associated; minus strand). Cytogenetic location: 17q21.31.
Variant type: single nucleotide variant.
Coding change: c.3032A>G on transcript NM_007294.4 (MANE Select); coding-DNA position 3032, A replaced by G.
Protein change: p.Glu1011Gly; replaces glutamic acid 1011 with glycine.
Molecular consequence: missense variant. On other transcripts: intron variant (137).
Genome position (GRCh38, 1-based): chr17:43,092,499, T>C on the plus strand (A>G on the coding strand, the complement: BRCA1 is on the minus strand). VCF-style: chr17-43092499-T-C. GRCh37 (hg19) VCF-style: chr17-41244516-T-C.
Other names: c.2906A>G, p.Glu969Gly (NM_001407941.1, NM_001407649.1, NM_001407670.1 and 11 more transcripts); c.2891A>G, p.Glu964Gly (NM_001407942.1, NM_001407944.1, NM_001407945.1 and 29 more transcripts); c.2888A>G, p.Glu963Gly (NM_001407943.1, NM_001407740.1, NM_001407741.1 and 20 more transcripts); c.2699A>G, p.Glu900Gly (NM_001407946.1, NM_001407957.1, NM_001407947.1 and 6 more transcripts); c.2696A>G, p.Glu899Gly (NM_001407954.1, NM_001407955.1, NM_001407956.1 and 1 more transcripts); c.2819A>G, p.Glu940Gly (NM_001407571.1, NM_001407853.1, NM_001407894.1 and 9 more transcripts); c.3032A>G, p.Glu1011Gly (NM_001407581.1, NM_001407582.1, NM_001407583.1 and 30 more transcripts); c.3029A>G, p.Glu1010Gly (NM_001407587.1, NM_001407590.1, NM_001407591.1 and 22 more transcripts); and 41 more; short protein forms E1011G, E964G, E715G, E884G, E900G, E943G, E944G, E843G.
Identifiers: ClinVar variation 835664 (VCV000835664.13), dbSNP rs2053652997, ClinGen allele CA10595929.
Genomic context (GRCh38, chr17:43,092,499, plus strand): 5'-ATGTTATTACGGCTAATTGTGCTCACTGTACTTGGAATGTTCTCATTTCCCATTTCTCTT[T>C]CAGGTGACATTGAATGTTCCTCAAAGTTTTCCTCTAGCAGATTTTTCTTACATTTAGTTT-3'
Protein context (NP_009225.1, residues 1001-1021): ENFEEHSMSP[Glu1011Gly]REMGNENIPS